The following is an entry in ClinVar:

ClinVar aggregate classification (germline): Likely pathogenic. Review status: criteria provided, single submitter (1 of 4 stars). 2 submissions from 2 submitters: Likely pathogenic (1). 1 of the submissions does not count toward it. Last evaluated 2024-09-21.

Conditions:
Cohen syndrome (COH1). Also called: Cutis verticis gyrata, retinitis pigmentosa, and sensorineural deafness; PEPPER SYNDROME. Identifiers: Orphanet 193, MedGen C0265223, MONDO:0008999, OMIM 216550.

Allele frequency attached by ClinVar (database versions not stated): gnomAD exomes 0.00001.
gnomAD v4.1: 9 of 1,614,090 alleles (0.00056%); highest among the groups gnomAD compares: Non-Finnish European, 0.00076%; no homozygotes.

Submissions (2):

Labcorp Genetics (formerly Invitae), Labcorp
Classification: Likely pathogenic for Cohen syndrome. Last evaluated: 2024-09-21. Review status: criteria provided, single submitter. Criteria: Invitae Variant Classification Sherloc (09022015). Collection method: clinical testing. Allele origin: germline.
Comment: This sequence change affects a donor splice site in intron 2 of the VPS13B gene. It is expected to disrupt RNA splicing. Variants that disrupt the donor or acceptor splice site typically lead to a loss of protein function (PMID: 16199547), and loss-of-function variants in VPS13B are known to be pathogenic (PMID: 15141358, 16648375, 20461111). This variant is present in population databases (no rsID available, gnomAD 0.0009%). This variant has not been reported in the literature in individuals affected with VPS13B-related conditions. ClinVar contains an entry for this variant (Variation ID: 371129). Algorithms developed to predict the effect of sequence changes on RNA splicing suggest that this variant may disrupt the consensus splice site. In summary, the currently available evidence indicates that the variant is pathogenic, but additional data are needed to prove that conclusively. Therefore, this variant has been classified as Likely Pathogenic.

Counsyl
Classification: Likely pathogenic for Cohen syndrome. Last evaluated: 2016-07-06. Review status: no assertion criteria provided. Collection method: clinical testing. Allele origin: unknown. Not counted in ClinVar's aggregate classification.

Literature cited by the submitters: PubMed 16199547 (cited by Labcorp Genetics (formerly Invitae), Labcorp); PubMed 15141358 (cited by Labcorp Genetics (formerly Invitae), Labcorp); PubMed 16648375 (cited by Labcorp Genetics (formerly Invitae), Labcorp); PubMed 20461111 (cited by Labcorp Genetics (formerly Invitae), Labcorp).

NM_152564.5(VPS13B):c.147+1G>A

Gene: VPS13B (vacuolar protein sorting 13 homolog B; plus strand). Cytogenetic location: 8q22.2.
Variant type: single nucleotide variant.
Coding change: c.147+1G>A on transcript NM_152564.5 (MANE Select); the canonical splice donor site of the intron after coding-DNA position 147, G replaced by A.
Molecular consequence: splice donor variant.
Genome position (GRCh38, 1-based): chr8:99,013,936, G>A. VCF-style: chr8-99013936-G-A. GRCh37 (hg19) VCF-style: chr8-100026164-G-A.
Other names: c.147+1G>A (NM_015243.3, NM_181661.3, NM_017890.5).
Identifiers: ClinVar variation 371129 (VCV000371129.10), dbSNP rs1057517029, ClinGen allele CA16041216.
Genomic context (GRCh38, chr8:99,013,936, plus strand): 5'-CTATGGGGTGGAGACGTGGTACTCAGCAAGCTCGAGTTAAAGTTGGATGTGCTGGAACAG[G>A]TAAGCTATTTAGCTGTCATTAACTGGAAACAGTTTTCAGCTTGTTTAGACGGTAATCTAT-3'